The following continues an entry in ClinVar:

NM_007294.4(BRCA1):c.2457del (p.Asp821fs)

Gene: BRCA1. ClinVar aggregate classification (germline): Pathogenic. Pathogenic (1).

Submissions 7 to 25 of 26:

Color Diagnostics, LLC DBA Color Health
Classification: Pathogenic for Hereditary cancer-predisposing syndrome. Last evaluated: 2024-03-19. Review status: criteria provided, single submitter. Criteria: ACMG Guidelines, 2015. Collection method: clinical testing. Allele origin: germline. Not counted in ClinVar's aggregate classification.
Comment: This variant deletes 1 nucleotide in exon 10 of the BRCA1 gene, creating a frameshift and premature translation stop signal. This variant is expected to result in an absent or non-functional protein product. This variant has been reported in multiple individuals and families affected with breast and ovarian cancer (PMID: 8807330, 11773283, 14760071, 16284991, 17688236, 18284688, 19340607, 22010008, 23269703, 23725378, 24504028, 24728189, 26681312, 26718727, 26845104, 3347199; Leiden Open Variation Database DB-ID BRCA1_003958) and colorectal cancer (PMID: 29478780). This variant has been identified in 3/250740 chromosomes in the general population by the Genome Aggregation Database (gnomAD). Loss of BRCA1 function is a known mechanism of disease. Based on the available evidence, this variant is classified as Pathogenic.

Baylor Genetics
Classification: Pathogenic for Breast-ovarian cancer, familial, susceptibility to, 1. Last evaluated: 2024-02-28. Review status: criteria provided, single submitter. Criteria: ACMG Guidelines, 2015. Collection method: clinical testing. Allele origin: unknown. Not counted in ClinVar's aggregate classification.

Quest Diagnostics Nichols Institute San Juan Capistrano
Classification: Pathogenic. Last evaluated: 2023-08-01. Review status: criteria provided, single submitter. Criteria: Quest Diagnostics criteria. Collection method: clinical testing. Allele origin: unknown. Not counted in ClinVar's aggregate classification.
Comment: The BRCA1 c.2457del (p.Asp821Ilefs*25) variant alters the translational reading frame of the BRCA1 mRNA and causes the premature termination of BRCA1 protein synthesis. This variant has been reported in the published literature in individuals affected with breast and/or ovarian cancer (PMIDs: 26718727 (2016), 27836010 (2016), 27083775 (2016), 26845104 (2016), 23269703 (2013)). Based on the available information, this variant is classified as pathogenic.

Revvity Omics, Revvity
Classification: Pathogenic. Last evaluated: 2022-04-18. Review status: criteria provided, single submitter. Criteria: ACMG Guidelines, 2015. Collection method: clinical testing. Allele origin: germline. Not counted in ClinVar's aggregate classification.

Fulgent Genetics
Classification: Pathogenic for Familial cancer of breast; Breast-ovarian cancer, familial, susceptibility to, 1; Pancreatic cancer, susceptibility to, 4; Fanconi anemia, complementation group S. Last evaluated: 2022-04-16. Review status: criteria provided, single submitter. Criteria: ACMG Guidelines, 2015. Collection method: clinical testing. Allele origin: unknown. Not counted in ClinVar's aggregate classification.

Sema4
Classification: Pathogenic for Hereditary cancer-predisposing syndrome. Last evaluated: 2021-08-18. Review status: criteria provided, single submitter. Criteria: Sema4 Curation Guidelines. Collection method: curation. Allele origin: germline. Not counted in ClinVar's aggregate classification.
Comment: The BRCA1 c.2457delC (p.D821IfsX25) variant has been reported in heterozygosity in numerous individuals with breast, ovarian, or pancreatic cancer (PMID: 29446198, 33471991, 22010008, 24504028, 26718727, 31871297, among others). It is also known as 2576delC in the literature. This variant is a well-established pathogenic variant associated with Hereditary Breast and Ovarian Cancer syndrome (PMID: 29446198). This variant causes a frameshift at amino acid 821 that results in premature termination 25 amino acids downstream. At this location, this is predicted to cause nonsense-mediated decay and result in an absent protein (loss of function). Loss of function variants in BRCA1 or BRCA2 are known to be pathogenic (PMID: 29446198). This variant was observed in 3/113326 chromosomes in the Non-Finnish European population according to the Genome Aggregation Database (PMID: 32461654). This variant has been reported in ClinVar (Variation ID: 37471). Based on the current evidence available, this variant is interpreted as pathogenic.

Mayo Clinic Laboratories, Mayo Clinic
Classification: Pathogenic. Last evaluated: 2019-09-26. Review status: criteria provided, single submitter. Criteria: ACMG Guidelines, 2015. Collection method: clinical testing. Allele origin: germline. Observed: 1 variant allele. Not counted in ClinVar's aggregate classification.
Comment: PVS1, PM2, PP4, PP5

GeneDx
Classification: Pathogenic. Last evaluated: 2019-06-05. Review status: criteria provided, single submitter. Criteria: GeneDx Variant Classification Process June 2021. Collection method: clinical testing. Allele origin: germline. Affected: yes. Not counted in ClinVar's aggregate classification.
Comment: Frameshift variant predicted to result in protein truncation or nonsense mediated decay in a gene for which loss-of-function is a known mechanism of disease; Identified in individuals with BRCA1-related cancers (Couch 1996, Schorge 2001, Pal 2005, Cunningham 2014, Couch 2015); Not observed at a significant frequency in large population cohorts (Lek 2016); Truncating variants in this gene are considered pathogenic by a well-established clinical consortium and/or database; Also known as 2576delC; This variant is associated with the following publications: (PMID: 18824701, 16267036, 23725378, 23199084, 8606385, 26845104, 24728189, 26884819, 31871297, 29133208, 23269703, 29625052, 24504028, 22010008, 11606101, 20665887, 16284991, 27836010, 26718727, 25452441, 8807330, 29435075, 29478780, 29712865, 30720243, 30322717, 30309722, 26689913)

Laboratory for Molecular Medicine, Mass General Brigham Personalized Medicine
Classification: Pathogenic for Hereditary breast ovarian cancer syndrome. Last evaluated: 2016-10-28. Review status: criteria provided, single submitter. Criteria: LMM Criteria. Collection method: clinical testing. Allele origin: germline. Inheritance: Autosomal dominant inheritance. Observed: 1 variant allele. Not counted in ClinVar's aggregate classification.
Comment: The p.Asp821fs variant in BRCA1 has been reported in >50 individuals with BRCA1- associated cancers (Couch 1996, Bernards 2016, Cunningham 2014, Domchek 2013, Br east Cancer Information Core (BIC), Sharing Clinical Reports Project). This vari ant has been identified in 2/66714 European chromosomes by the Exome Aggregation Consortium (ExAC; dbSNP rs80357669). This varia nt is predicted to cause a frameshift, which alters the protein?s amino acid seq uence beginning at position 821 and leads to a premature termination codon 25 am ino acids downstream. This alteration is then predicted to lead to a truncated o r absent protein. Heterozygous loss of function of the BRCA1 gene is an establis hed disease mechanism in individuals with hereditary breast and ovarian cancer ( HBOC). In addition, this variant was classified as Pathogenic on Sep 8, 2016 by the ClinGen-approved ENIGMA expert panel (ClinVar SCV000299772.2). In summary, t his variant meets criteria to be classified as pathogenic for HBOC in an autosom al dominant manner.

Women's Health and Genetics/Laboratory Corporation of America, LabCorp
Classification: Pathogenic for Hereditary breast ovarian cancer syndrome. Last evaluated: 2016-06-06. Review status: criteria provided, single submitter. Criteria: LabCorp Variant Classification Summary - May 2015. Collection method: clinical testing. Allele origin: germline. Not counted in ClinVar's aggregate classification.
Comment: Variant summary: The BRCA1 c.2457delC (p.Asp821Ilefs) variant results in a premature termination codon, predicted to cause a truncated or absent BRCA1 protein due to nonsense mediated decay, which are commonly known mechanisms for disease. Truncations downstream of this position have been classified as pathogenic by our laboratory (e.g.c.2515delC, c.2940delA). One in silico tool predicts a damaging outcome for this variant. This variant was found in 2/121358 control chromosomes at a frequency of 0.0000165, which does not exceed the estimated maximal expected allele frequency of a pathogenic BRCA1 variant (0.0010005). This variant has been reported in numerous HBOC patients. In addition, multiple clinical diagnostic laboratories/reputable databases classified this variant as pathogenic. Taken together, this variant is classified as pathogenic.

University of Washington Department of Laboratory Medicine, University of Washington
Classification: Pathogenic for Breast-ovarian cancer, familial, susceptibility to, 1. Last evaluated: 2015-11-20. Review status: criteria provided, single submitter. Criteria: Shirts et al. (Genet Med 2016). Collection method: clinical testing. Allele origin: germline. Affected: yes. Observed: 1 variant allele. Not counted in ClinVar's aggregate classification.

Consortium of Investigators of Modifiers of BRCA1/2 (CIMBA), c/o University of Cambridge
Classification: Pathogenic for Breast-ovarian cancer, familial, susceptibility to, 1. Last evaluated: 2015-10-02. Review status: criteria provided, single submitter. Criteria: CIMBA Mutation Classification guidelines May 2016. Collection method: clinical testing. Allele origin: germline. Not counted in ClinVar's aggregate classification.

Molecular Genetics Laboratory, University of Michigan
Classification: Pathogenic for Breast-ovarian cancer, familial, susceptibility to, 1. Last evaluated: 2014-11-03. Review status: criteria provided, single submitter. Criteria: ACMG Guidelines, 2015. Collection method: clinical testing. Allele origin: germline. Affected: yes. Not counted in ClinVar's aggregate classification.

Eurofins Ntd Llc (ga)
Classification: Pathogenic. Last evaluated: 2014-09-04. Review status: criteria provided, single submitter. Criteria: EGL Classification Definitions 2015. Collection method: clinical testing. Allele origin: germline. Not counted in ClinVar's aggregate classification.

Counsyl
Classification: Pathogenic for Breast-ovarian cancer, familial, susceptibility to, 1. Last evaluated: 2015-11-06. Review status: no assertion criteria provided. Collection method: clinical testing. Allele origin: unknown. Not counted in ClinVar's aggregate classification.

Pathway Genomics
Classification: Pathogenic for Breast-ovarian cancer, familial 1. Last evaluated: 2014-11-06. Review status: no assertion criteria provided. Collection method: clinical testing. Allele origin: germline. Affected: yes. Not counted in ClinVar's aggregate classification.

Research Molecular Genetics Laboratory, Women's College Hospital, University of Toronto
Classification: Pathogenic for Hereditary breast ovarian cancer syndrome. Last evaluated: 2014-01-31. Review status: no assertion criteria provided. Collection method: research. Allele origin: germline. Affected: yes. Study: The Canadian Open Genetics Repository (COGR). Not counted in ClinVar's aggregate classification.

OMIM
Classification: Pathogenic for FANCONI ANEMIA, COMPLEMENTATION GROUP S. Last evaluated: 2013-04-01. Review status: no assertion criteria provided. Collection method: literature only. Allele origin: germline. Not counted in ClinVar's aggregate classification.

Sharing Clinical Reports Project (SCRP)
Classification: Pathogenic for Breast-ovarian cancer, familial 1. Last evaluated: 2013-03-20. Review status: no assertion criteria provided. Collection method: clinical testing. Allele origin: germline. Not counted in ClinVar's aggregate classification.